The following is an entry in ClinVar:

NM_021096.4(CACNA1I):c.5220G>A (p.Ala1740=)

Gene: CACNA1I (calcium voltage-gated channel subunit alpha1 I; plus strand). Cytogenetic location: 22q13.1.
Variant type: single nucleotide variant.
Coding change: c.5220G>A on transcript NM_021096.4 (MANE Select); coding-DNA position 5220, G replaced by A.
Protein change: p.Ala1740=; no amino-acid change (alanine 1740 retained).
Molecular consequence: synonymous variant.
Genome position (GRCh38, 1-based): chr22:39,679,271, G>A. VCF-style: chr22-39679271-G-A. GRCh37 (hg19) VCF-style: chr22-40075276-G-A.
Other names: c.5115G>A, p.Ala1705= (NM_001003406.2).
Identifiers: ClinVar variation 3349969 (VCV003349969.1).

ClinVar aggregate classification (germline): Likely benign (0 of 4 stars; one submission).

Conditions:
CACNA1I-related disorder. Also called: CACNA1I-related condition.

Submission:

PreventionGenetics, part of Exact Sciences
Classification: Likely benign for CACNA1I-related condition. Last evaluated: 2023-12-04. Review status: no assertion criteria provided. Collection method: clinical testing. Allele origin: germline.
Comment: This variant is classified as likely benign based on ACMG/AMP sequence variant interpretation guidelines (Richards et al. 2015 PMID: 25741868, with internal and published modifications).